The following is an entry in ClinVar:

NM_002900.3(RBP3):c.1025C>T (p.Thr342Met)

Gene: RBP3 (retinol binding protein 3; plus strand). Cytogenetic location: 10q11.22.
Variant type: single nucleotide variant.
Coding change: c.1025C>T on transcript NM_002900.3 (MANE Select); coding-DNA position 1025, C replaced by T.
Protein change: p.Thr342Met; replaces threonine 342 with methionine.
Molecular consequence: missense variant.
Genome position (GRCh38, 1-based): chr10:47,349,509, C>T. VCF-style: chr10-47349509-C-T. GRCh37 (hg19) VCF-style: chr10-48389853-G-A.
Other names: short protein forms T342M.
Identifiers: ClinVar variation 1359028 (VCV001359028.5), dbSNP rs150434097, ClinGen allele CA5487629.

ClinVar aggregate classification (germline): Uncertain significance. Review status: criteria provided, multiple submitters, no conflicts (2 of 4 stars). 2 submissions from 2 submitters: Uncertain significance (2). Last evaluated 2022-05-12.

Allele frequency attached by ClinVar (database versions not stated): gnomAD exomes 0.00002; TOPMed 0.00002; ExAC 0.00003; gnomAD 0.00004; ESP Exome Variant Server 0.00008.
gnomAD v4.1: 38 of 1,612,900 alleles (0.0024%); highest among the groups gnomAD compares: East Asian, 0.011%; no homozygotes.

Submissions (2):

Labcorp Genetics (formerly Invitae), Labcorp
Classification: Uncertain significance. Last evaluated: 2022-05-12. Review status: criteria provided, single submitter. Criteria: Invitae Variant Classification Sherloc (09022015). Collection method: clinical testing. Allele origin: germline.
Comment: This sequence change replaces threonine, which is neutral and polar, with methionine, which is neutral and non-polar, at codon 342 of the RBP3 protein (p.Thr342Met). This variant is present in population databases (rs150434097, gnomAD 0.01%). This variant has not been reported in the literature in individuals affected with RBP3-related conditions. Algorithms developed to predict the effect of missense changes on protein structure and function are either unavailable or do not agree on the potential impact of this missense change (SIFT: "Deleterious"; PolyPhen-2: "Probably Damaging"; Align-GVGD: "Class C0"). In summary, the available evidence is currently insufficient to determine the role of this variant in disease. Therefore, it has been classified as a Variant of Uncertain Significance.

Blueprint Genetics
Classification: Uncertain significance. Last evaluated: 2021-09-01. Review status: criteria provided, single submitter. Criteria: ACMG Guidelines, 2015. Collection method: clinical testing. Allele origin: germline.